The following is an entry in ClinVar:

ClinVar aggregate classification (germline): Likely benign. Review status: criteria provided, multiple submitters, no conflicts (2 of 4 stars). 2 submissions from 2 submitters: Likely benign (2). Last evaluated 2024-12-19.

Conditions:
Hereditary nonpolyposis colorectal neoplasms. Identifiers: MedGen C0009405, MeSH D003123.
Lynch syndrome 5 (LYNCH5). Also called: Hereditary non-polyposis colorectal cancer, type 5; Colorectal cancer, hereditary nonpolyposis, type 5. Identifiers: Orphanet 144, MedGen C1833477, MONDO:0013710, OMIM 614350. Disease mechanism: loss of function.

Allele frequency attached by ClinVar (database versions not stated): TOPMed 0.00002; gnomAD 0.00003; ESP Exome Variant Server 0.00008.
gnomAD v4.1: 4 of 1,606,532 alleles (0.00025%); highest among the groups gnomAD compares: African/African-American, 0.004%; no homozygotes.

Submissions (2):

Myriad Genetics, Inc.
Classification: Likely benign for Lynch syndrome 5. Last evaluated: 2024-12-19. Review status: criteria provided, single submitter. Criteria: Myriad Autosomal Dominant, Autosomal Recessive and X-Linked Classification Criteria (2023). Collection method: clinical testing. Allele origin: unknown.
Comment: This variant is considered likely benign. This variant is intronic and is not expected to impact mRNA splicing.

Labcorp Genetics (formerly Invitae), Labcorp
Classification: Likely benign for Hereditary nonpolyposis colorectal neoplasms. Last evaluated: 2024-07-24. Review status: criteria provided, single submitter. Criteria: Invitae Variant Classification Sherloc (09022015). Collection method: clinical testing. Allele origin: germline.

NM_000179.3(MSH6):c.628-16T>C

Gene: MSH6 (mutS homolog 6; plus strand). Cytogenetic location: 2p16.3.
Variant type: single nucleotide variant.
Coding change: c.628-16T>C on transcript NM_000179.3 (MANE Select); 16 bases into the intron before coding-DNA position 628, T replaced by C.
Molecular consequence: intron variant.
Genome position (GRCh38, 1-based): chr2:47,798,595, T>C. VCF-style: chr2-47798595-T-C. GRCh37 (hg19) VCF-style: chr2-48025734-T-C.
Other names: c.628-16T>C (NM_001406809.1, NM_001406796.1, NM_001406808.1 and 4 more transcripts); c.-279-16T>C (NM_001406811.1, NM_001406814.1, NM_001281493.2 and 5 more transcripts); c.331-16T>C (NM_001406805.1, NM_001406797.1, NM_001406801.1 and 10 more transcripts); c.724-16T>C (NM_001406795.1, NM_001406802.1); c.634-16T>C (NM_001406813.1); c.103-16T>C (NM_001406807.1, NM_001406799.1, NM_001406806.1); c.628-2071T>C (NM_001407362.1); c.550-16T>C (NM_001406804.1); and 3 more.
Identifiers: ClinVar variation 2866022 (VCV002866022.4), dbSNP rs368831443, ClinGen allele CA46706452.
Genomic context (GRCh38, chr2:47,798,595, plus strand): 5'-TCATAAGTTGAACTGTCTTACATTATGGTTTTCCAAATTTTGATTTGTTTTTAAATACTC[T>C]TTCCTTGCCTGGCAGGTAGGCACAACTTACGTAACAGATAAGAGTGAAGAAGATAATGAA-3'